The following is an entry in ClinVar:

ClinVar aggregate classification (germline): Uncertain significance (1 of 4 stars; one submission).

Allele frequency attached by ClinVar (database versions not stated): gnomAD 0.00001 and 0.00002; TOPMed 0.00002; ExAC 0.00003; gnomAD exomes 0.00003 and 0.00004; ESP Exome Variant Server 0.00008; 1000 Genomes Project 0.00020; 1000 Genomes Project 30x 0.00031.
gnomAD v4.1: 43 of 1,613,692 alleles (0.0027%); highest among the groups gnomAD compares: South Asian, 0.0077%; no homozygotes.

Submission:

ARUP Laboratories, Molecular Genetics and Genomics, ARUP Laboratories
Classification: Uncertain significance. Last evaluated: 2020-01-19. Review status: criteria provided, single submitter. Criteria: ARUP Molecular Germline Variant Investigation Process. Collection method: clinical testing. Allele origin: germline.
Comment: The FKBP10 c.1640T>C; p.Ile547Thr variant (rs368139860), to our knowledge, is not reported in the medical literature or gene specific databases. This variant is found in the general population with an overall allele frequency of 0.004% (10/250226 alleles) in the Genome Aggregation Database. The isoleucine at codon 547 is highly conserved, and computational analyses (SIFT, PolyPhen-2) predict that this variant is deleterious. Due to limited information, the clinical significance of the p.Ile547Thr variant is uncertain at this time.

NM_021939.4(FKBP10):c.1640T>C (p.Ile547Thr)

Gene: FKBP10 (FKBP prolyl isomerase 10; plus strand). Cytogenetic location: 17q21.2.
Variant type: single nucleotide variant.
Coding change: c.1640T>C on transcript NM_021939.4 (MANE Select); coding-DNA position 1640, T replaced by C.
Protein change: p.Ile547Thr; replaces isoleucine 547 with threonine.
Molecular consequence: missense variant.
Genome position (GRCh38, 1-based): chr17:41,822,299, T>C. VCF-style: chr17-41822299-T-C. GRCh37 (hg19) VCF-style: chr17-39978551-T-C.
Other names: short protein forms I547T.
Identifiers: ClinVar variation 994053 (VCV000994053.8), dbSNP rs368139860, ClinGen allele CA8566716.
Genomic context (GRCh38, chr17:41,822,299, plus strand): 5'-AGGCTCAAGTGAGTGAGGGCAAAGGACGCCTCATGCCTGGGCAGGACCCTGAGAAAACCA[T>C]AGGAGACATGTTCCAGAACCAGGACCGCAACCAGGACGGCAAGATCACAGTCGACGAGCT-3'
Protein context (NP_068758.3, residues 537-557): LMPGQDPEKT[Ile547Thr]GDMFQNQDRN